The following is an entry in ClinVar:

ClinVar aggregate classification (germline): Uncertain significance (1 of 4 stars; one submission).

Allele frequency attached by ClinVar (database versions not stated): gnomAD 0.00001; TOPMed 0.00001; ExAC 0.00003.
gnomAD v4.1: 19 of 1,613,822 alleles (0.0012%); highest among the groups gnomAD compares: East Asian, 0.016%; no homozygotes.

Submission:

Labcorp Genetics (formerly Invitae), Labcorp
Classification: Uncertain significance. Last evaluated: 2024-02-11. Review status: criteria provided, single submitter. Criteria: Invitae Variant Classification Sherloc (09022015). Collection method: clinical testing. Allele origin: germline.
Comment: This sequence change replaces serine, which is neutral and polar, with leucine, which is neutral and non-polar, at codon 1444 of the VCAN protein (p.Ser1444Leu). This variant is present in population databases (rs765589028, gnomAD 0.009%). This variant has not been reported in the literature in individuals affected with VCAN-related conditions. ClinVar contains an entry for this variant (Variation ID: 1356230). An algorithm developed to predict the effect of missense changes on protein structure and function (PolyPhen-2) suggests that this variant is likely to be disruptive. In summary, the available evidence is currently insufficient to determine the role of this variant in disease. Therefore, it has been classified as a Variant of Uncertain Significance.

NM_004385.5(VCAN):c.4331C>T (p.Ser1444Leu)

Genes: VCAN (versican; plus strand), VCAN-AS1 (VCAN antisense RNA 1; minus strand). Cytogenetic location: 5q14.3.
Variant type: single nucleotide variant.
Coding change: c.4331C>T on transcript NM_004385.5 (MANE Select); coding-DNA position 4331, C replaced by T.
Protein change: p.Ser1444Leu; replaces serine 1444 with leucine.
Molecular consequence: missense variant. On other transcripts: intron variant (2).
Genome position (GRCh38, 1-based): chr5:83,537,334, C>T. VCF-style: chr5-83537334-C-T. GRCh37 (hg19) VCF-style: chr5-82833153-C-T.
Other names: c.1370C>T, p.Ser457Leu (NM_001164097.2); c.4004-8203C>T (NM_001164098.2); c.1043-8203C>T (NM_001126336.3); short protein forms S1444L, S457L.
Identifiers: ClinVar variation 1356230 (VCV001356230.6), dbSNP rs765589028, ClinGen allele CA3333152.